The following is an entry in ClinVar:

ClinVar aggregate classification (germline): Benign/Likely benign. Review status: criteria provided, multiple submitters, no conflicts (2 of 4 stars). 3 submissions from 3 submitters: Benign (2); Likely benign (1). Last evaluated 2024-10-29.

Conditions:
Ichthyosis bullosa of Siemens (IBS). Also called: Superficial epidermolytic ichthyosis. Identifiers: Orphanet 455, MedGen C0432306, MONDO:0007813, OMIM 146800.

Allele frequency attached by ClinVar (database versions not stated): TOPMed 0.00039; ESP Exome Variant Server 0.00062; gnomAD exomes 0.00066 and 0.00089; ExAC 0.00072; gnomAD 0.00092 and 0.00099.
gnomAD v4.1: 1,032 of 1,555,820 alleles (0.066%); highest among the groups gnomAD compares: Non-Finnish European, 0.057%; 1 homozygote.

Submissions (3):

Blueprint Genetics
Classification: Likely benign. Last evaluated: 2024-10-29. Review status: criteria provided, single submitter. Criteria: ACMG Guidelines, 2015. Collection method: clinical testing. Allele origin: germline.

Labcorp Genetics (formerly Invitae), Labcorp
Classification: Benign. Last evaluated: 2024-10-22. Review status: criteria provided, single submitter. Criteria: Invitae Variant Classification Sherloc (09022015). Collection method: clinical testing. Allele origin: germline.

Illumina Laboratory Services, Illumina
Classification: Benign for Ichthyosis bullosa of Siemens. Last evaluated: 2018-01-13. Review status: criteria provided, single submitter. Criteria: ICSL Variant Classification Criteria 13 December 2019. Collection method: clinical testing. Allele origin: germline.
Comment: This variant was observed in the ICSL laboratory as part of a predisposition screen in an ostensibly healthy population. It had not been previously curated by ICSL or reported in the Human Gene Mutation Database (HGMD: prior to June 1st, 2018), and was therefore a candidate for classification through an automated scoring system. Utilizing variant allele frequency, disease prevalence and penetrance estimates, and inheritance mode, an automated score was calculated to assess if this variant is too frequent to cause the disease. Based on the score and internal cut-off values, a variant classified as benign is not then subjected to further curation. The score for this variant resulted in a classification of benign for this disease.

NM_000423.3(KRT2):c.348C>T (p.Gly116=)

Gene: KRT2 (keratin 2; minus strand). Cytogenetic location: 12q13.13.
Variant type: single nucleotide variant.
Coding change: c.348C>T on transcript NM_000423.3 (MANE Select); coding-DNA position 348, C replaced by T.
Protein change: p.Gly116=; no amino-acid change (glycine 116 retained).
Molecular consequence: synonymous variant.
Genome position (GRCh38, 1-based): chr12:52,651,795, G>A on the plus strand (C>T on the coding strand, the complement: KRT2 is on the minus strand). VCF-style: chr12-52651795-G-A. GRCh37 (hg19) VCF-style: chr12-53045579-G-A.
Identifiers: ClinVar variation 309620 (VCV000309620.12), dbSNP rs145263416, ClinGen allele CA6585856.